The following is an entry in ClinVar:

ClinVar aggregate classification (germline): Uncertain significance. Review status: criteria provided, multiple submitters, no conflicts (2 of 4 stars). 2 submissions from 2 submitters: Uncertain significance (2). Last evaluated 2025-10-27.

Conditions:
Noonan syndrome (NS). Also called: Noonan's syndrome. Identifiers: Orphanet 648, MedGen C0028326, MeSH D009634, MONDO:0018997. Disease mechanism: gain of function.

Allele frequency attached by ClinVar (database versions not stated): gnomAD exomes 0.00001; TOPMed 0.00001.
gnomAD v4.1: 9 of 1,592,130 alleles (0.00057%); highest among the groups gnomAD compares: East Asian, 0.0045%; no homozygotes.

Submissions (2):

Labcorp Genetics (formerly Invitae), Labcorp
Classification: Uncertain significance for Noonan syndrome. Last evaluated: 2025-10-27. Review status: criteria provided, single submitter. Criteria: Invitae Variant Classification Sherloc (09022015). Collection method: clinical testing. Allele origin: germline.
Comment: This sequence change replaces glutamic acid, which is acidic and polar, with lysine, which is basic and polar, at codon 181 of the RRAS protein (p.Glu181Lys). This variant is not present in population databases (gnomAD no frequency). This variant has not been reported in the literature in individuals affected with RRAS-related conditions. ClinVar contains an entry for this variant (Variation ID: 2051586). An algorithm developed to predict the effect of missense changes on protein structure and function (PolyPhen-2) suggests that this variant is likely to be tolerated. In summary, the available evidence is currently insufficient to determine the role of this variant in disease. Therefore, it has been classified as a Variant of Uncertain Significance.

Ambry Genetics
Classification: Uncertain significance. Last evaluated: 2025-07-29. Review status: criteria provided, single submitter. Criteria: Ambry Variant Classification Scheme 2023. Collection method: clinical testing. Allele origin: germline.
Comment: The p.E181K variant (also known as c.541G>A), located in coding exon 5 of the RRAS gene, results from a G to A substitution at nucleotide position 541. The glutamic acid at codon 181 is replaced by lysine, an amino acid with similar properties. This amino acid position is conserved. In addition, this alteration is predicted to be tolerated by in silico analysis. Based on the available evidence, the clinical significance of this variant remains unclear.

NM_006270.5(RRAS):c.541G>A (p.Glu181Lys)

Gene: RRAS (RAS related; minus strand). Cytogenetic location: 19q13.33.
Variant type: single nucleotide variant.
Coding change: c.541G>A on transcript NM_006270.5 (MANE Select); coding-DNA position 541, G replaced by A.
Protein change: p.Glu181Lys; replaces glutamic acid 181 with lysine.
Molecular consequence: missense variant.
Genome position (GRCh38, 1-based): chr19:49,635,765, C>T on the plus strand (G>A on the coding strand, the complement: RRAS is on the minus strand). VCF-style: chr19-49635765-C-T. GRCh37 (hg19) VCF-style: chr19-50139022-C-T.
Other names: c.541G>A (NM_006270.3); short protein forms E181K.
Identifiers: ClinVar variation 2051586 (VCV002051586.5), dbSNP rs1428526675, ClinGen allele CA406845686.
Genomic context (GRCh38, chr19:49,635,765, plus strand): 5'-AAGGACGACAGGAAGGGGACTTGGCTCACCGGACAGCCCGCACCAGCTGCTCAAAAGCCT[C>T]GTCCACGTTGAGACGCAGTTTGGCCGAGGCCTCAAAGTAGGCCACGTGGTGGGAGGCGCC-3'
Protein context (NP_006261.1, residues 171-191): ASAKLRLNVD[Glu181Lys]AFEQLVRAVR